The following is an entry in ClinVar:

ClinVar aggregate classification (germline): Pathogenic/Likely pathogenic. Review status: criteria provided, multiple submitters, no conflicts (2 of 4 stars). 8 submissions from 8 submitters: Pathogenic (1); Likely pathogenic (7). Last evaluated 2025-11-24.

Conditions:
TTN-related disorder. Also called: TTN-related disorders; TTN-related condition; TTN-related disease.
Cardiovascular phenotype. Identifiers: MedGen CN230736.
Dilated cardiomyopathy 1G (CMD1G). Identifiers: Orphanet 154, MedGen C1858763, MONDO:0011400, OMIM 604145.
Autosomal recessive limb-girdle muscular dystrophy type 2J (LGMDR10). Also called: MUSCULAR DYSTROPHY, LIMB-GIRDLE, AUTOSOMAL RECESSIVE 10; Limb-girdle muscular dystrophy, type 2J. Identifiers: Orphanet 140922, MedGen C1837342, MONDO:0012127, OMIM 608807.
Tibial muscular dystrophy (TMD). Also called: Udd Distal Myopathy – Tibial Muscular Dystrophy; Tibial muscular dystrophy, tardive; UDD MYOPATHY. Identifiers: Orphanet 609, MedGen C1838244, MONDO:0010870, OMIM 600334.
Myopathy, myofibrillar, 9, with early respiratory failure (MFM9). Also called: Hereditary myopathy with early respiratory failure; EDSTROM MYOPATHY; Myopathy, distal, with early respiratory failure, autosomal dominant; MYOPATHY, PROXIMAL, WITH EARLY RESPIRATORY MUSCLE INVOLVEMENT. Identifiers: Orphanet 178464, Orphanet 34521, MedGen C1863599, MONDO:0011362, OMIM 603689.
Early-onset myopathy with fatal cardiomyopathy (CMYO5). Also called: CONGENITAL MYOPATHY 5 WITH CARDIOMYOPATHY; Salih Myopathy. Identifiers: Orphanet 289377, MedGen C2673677, MONDO:0012714, OMIM 611705. Disease mechanism: loss of function.
Hypertrophic cardiomyopathy 9. Also called: Familial hypertrophic cardiomyopathy 9. Identifiers: MedGen C1861065, MONDO:0013412, OMIM 613765.

Allele frequency attached by ClinVar (database versions not stated): TOPMed 0.00001.
gnomAD v4.1: 5 of 1,613,504 alleles (0.00031%); highest among the groups gnomAD compares: Non-Finnish European, 0.00025%; no homozygotes.

Submissions (8):

GeneDx
Classification: Pathogenic. Last evaluated: 2025-11-24. Review status: criteria provided, single submitter. Criteria: GeneDx Variant Classification Process June 2021. Collection method: clinical testing. Allele origin: germline. Affected: yes.
Comment: Nonsense variant predicted to result in protein truncation or nonsense mediated decay in a gene for which loss of function is a known mechanism of disease; Not observed at significant frequency in large population cohorts (gnomAD); This variant is associated with the following publications: (PMID: 35177841, 33432171, 31691645, 37728764, 22335739, 32778822, 36264615)

Labcorp Genetics (formerly Invitae), Labcorp
Classification: Likely pathogenic for Dilated cardiomyopathy 1G; Autosomal recessive limb-girdle muscular dystrophy type 2J. Last evaluated: 2025-10-13. Review status: criteria provided, single submitter. Criteria: Invitae Variant Classification Sherloc (09022015). Collection method: clinical testing. Allele origin: germline.
Comment: This sequence change creates a premature translational stop signal (p.Arg25110*) in the TTN gene. While this is not anticipated to result in nonsense mediated decay, it is expected to create a truncated TTN protein. This variant is not present in population databases (gnomAD no frequency). This premature translational stop signal has been observed in individual(s) with dilated cardiomyopathy (internal data). ClinVar contains an entry for this variant (Variation ID: 202521). This variant is located in the A band of TTN (PMID: 25589632). Truncating variants in this region are significantly overrepresented in patients affected with dilated cardiomyopathy (PMID: 25589632). Truncating variants in this region have also been reported in individuals affected with autosomal recessive centronuclear myopathy (PMID: 23975875). In summary, the currently available evidence indicates that the variant is pathogenic, but additional data are needed to prove that conclusively. Therefore, this variant has been classified as Likely Pathogenic.

Ambry Genetics
Classification: Likely pathogenic for Cardiovascular phenotype. Last evaluated: 2025-03-05. Review status: criteria provided, single submitter. Criteria: Ambry Variant Classification Scheme 2023. Collection method: clinical testing. Allele origin: germline.
Comment: The p.R16045* variant (also known as c.48133C>T), located in coding exon 153 of the TTN gene, results from a C to T substitution at nucleotide position 48133. This changes the amino acid from an arginine to a stop codon within coding exon 153. This exon is located in the A-band region of the N2-B isoform of the titin protein and is constitutively expressed in TTN transcripts (percent spliced in or PSI 100%). This alteration is expected to result in loss of function by premature protein truncation or nonsense-mediated mRNA decay. While truncating variants in TTN are present in 1-3% of the general population, truncating variants in the A-band are the most common cause of dilated cardiomyopathy (DCM) (Herman DS et al. N. Engl. J. Med. 2012 Feb;366:619-28; Roberts AM et al. Sci Transl Med. 2015 Jan;7:270ra6). TTN truncating variants encoded in constitutive exons (PSI >90%) have been found to be significantly associated with DCM regardless of their position in titin (Schafer S et al. Nat. Genet. 2017 Jan;49:46-53). This variant is considered to be rare based on population cohorts in the Genome Aggregation Database (gnomAD). As such, this alteration is classified as likely pathogenic.

Blueprint Genetics
Classification: Likely pathogenic for TTN-related disorders. Last evaluated: 2024-11-22. Review status: criteria provided, single submitter. Criteria: ACMG Guidelines, 2015. Collection method: clinical testing. Allele origin: germline. Affected: yes. Observed: 1 variant allele.

Victorian Clinical Genetics Services, Murdoch Childrens Research Institute
Classification: Likely pathogenic for Dilated cardiomyopathy 1G. Last evaluated: 2022-02-02. Review status: criteria provided, single submitter. Criteria: ACMG Guidelines, 2015. Collection method: clinical testing. Allele origin: germline. Inheritance: Autosomal dominant inheritance. Affected: yes.
Comment: Based on the classification scheme VCGS_Germline_v1.3.4, this variant is classified as Likely pathogenic. Following criteria are met: 0102 - Loss of function is known mechanism of disease in this gene. In addition, dominant-negative is also a suggested mechanism. (PMID: 25589632). (I) 0108 - This gene is associated with both recessive and dominant disease (OMIM). (I) 0112 - The condition associated with this gene has incomplete penetrance. Variants in this gene that result in a premature truncating codon (PTC) are known to have reduced penetrance in DCM (PMID: 25589632). (I) 0201 - Variant is predicted to cause nonsense-mediated decay (NMD) and loss of protein (premature termination codon is located at least 54 nucleotides upstream of the final exon-exon junction). (SP) 0251 - This variant is heterozygous. (I) 0301 - Variant is absent from gnomAD (both v2 and v3). (SP) 0600 - Variant is located in the annotated C-terminal A-band and the exon has a PSI score of 100 (PMID: 25589632). (I) 0703 - Other NMD-predicted variants comparable to the one identified in this case have moderate previous evidence for pathogenicity (ClinVar). (SP) 0802 - This variant has moderate previous evidence of pathogenicity in unrelated individuals. This variant has been reported as pathogenic and likely pathogenic for DCM in ClinVar. (SP) 0905 - No published segregation evidence has been identified for this variant. (I) 1007 - No published functional evidence has been identified for this variant. (I) 1208 - Inheritance information for this variant is not currently available in this individual. (I) Legend: (SP) - Supporting pathogenic, (I) - Information, (SB) - Supporting benign

Fulgent Genetics
Classification: Likely pathogenic for Tibial muscular dystrophy; Myopathy, myofibrillar, 9, with early respiratory failure; Dilated cardiomyopathy 1G; Autosomal recessive limb-girdle muscular dystrophy type 2J; Early-onset myopathy with fatal cardiomyopathy; Hypertrophic cardiomyopathy 9. Last evaluated: 2021-11-18. Review status: criteria provided, single submitter. Criteria: ACMG Guidelines, 2015. Collection method: clinical testing. Allele origin: unknown.

Stanford Center for Inherited Cardiovascular Disease, Stanford University
Classification: Likely pathogenic. Last evaluated: 2017-09-11. Review status: criteria provided, single submitter. Criteria: ACMG Guidelines, 2015. Collection method: provider interpretation. Allele origin: germline.

Juno Genomics, Hangzhou Juno Genomics, Inc
Classification: Likely pathogenic for Early-onset myopathy with fatal cardiomyopathy; Dilated cardiomyopathy 1G; Hypertrophic cardiomyopathy 9; Autosomal recessive limb-girdle muscular dystrophy type 2J; Myopathy, myofibrillar, 9, with early respiratory failure; Tibial muscular dystrophy. Review status: criteria provided, single submitter. Criteria: ACMG Guidelines, 2015. Collection method: clinical testing. Allele origin: germline.
Comment: Absent from controls (or at extremely low frequency if recessive) in Genome Aggregation Database.;Null variant in a gene where loss of function (LOF) is a known mechanism of disease.

Literature cited by the submitters: PubMed 25589632 (cited by Labcorp Genetics (formerly Invitae), Labcorp and Victorian Clinical Genetics Services, Murdoch Childrens Research Institute); PubMed 23975875 (cited by Labcorp Genetics (formerly Invitae), Labcorp); PubMed 33432171 (cited by Ambry Genetics).

NM_001267550.2(TTN):c.75328C>T (p.Arg25110Ter)

Genes: TTN (titin; minus strand), TTN-AS1 (TTN antisense RNA 1; plus strand). Cytogenetic location: 2q31.2.
Variant type: single nucleotide variant.
Coding change: c.75328C>T on transcript NM_001267550.2 (MANE Select); coding-DNA position 75328, C replaced by T.
Protein change: p.Arg25110Ter; replaces arginine 25110 with a stop codon.
Molecular consequence: nonsense.
Genome position (GRCh38, 1-based): chr2:178,570,804, G>A on the plus strand (C>T on the coding strand, the complement: TTN is on the minus strand). VCF-style: chr2-178570804-G-A. GRCh37 (hg19) VCF-style: chr2-179435531-G-A.
Other names: p.R23469*:CGA>TGA; c.70405C>T, p.Arg23469Ter (NM_001256850.1); c.48133C>T, p.Arg16045Ter (NM_003319.4); c.67624C>T, p.Arg22542Ter (NM_133378.4); c.48508C>T, p.Arg16170Ter (NM_133432.3); c.48709C>T, p.Arg16237Ter (NM_133437.4); short protein forms R23469*, R25110*, R16237*, R16045*, R16170*, R22542*.
Identifiers: ClinVar variation 202521 (VCV000202521.25), dbSNP rs794729382, ClinGen allele CA309498.